The following is an entry in ClinVar:

ClinVar aggregate classification (germline): Likely benign (1 of 4 stars; one submission).

gnomAD v4.1: 146 of 1,589,084 alleles (0.0092%); highest among the groups gnomAD compares: South Asian, 0.11%; 1 homozygote.

Submission:

CeGaT Center for Human Genetics Tuebingen
Classification: Likely benign. Last evaluated: 2026-05-01. Review status: criteria provided, single submitter. Criteria: CeGaT Center For Human Genetics Tuebingen Variant Classification Criteria Version 2. Collection method: clinical testing. Allele origin: germline. Affected: yes. Observed: 2 variant alleles.
Comment: TNR: BP4, BP7

NM_003285.3(TNR):c.3783C>T (p.Asn1261=)

Gene: TNR (tenascin R; minus strand). Cytogenetic location: 1q25.1.
Variant type: single nucleotide variant.
Coding change: c.3783C>T on transcript NM_003285.3 (MANE Select); coding-DNA position 3783, C replaced by T.
Protein change: p.Asn1261=; no amino-acid change (asparagine 1261 retained).
Molecular consequence: synonymous variant.
Genome position (GRCh38, 1-based): chr1:175,330,084, G>A on the plus strand (C>T on the coding strand, the complement: TNR is on the minus strand). VCF-style: chr1-175330084-G-A. GRCh37 (hg19) VCF-style: chr1-175299220-G-A.
Other names: c.2784C>T, p.Asn928= (NM_001328635.2).
Identifiers: ClinVar variation 4821530 (VCV004821530.4).